The following is an entry in ClinVar:

ClinVar aggregate classification (germline): Conflicting classifications of pathogenicity. Review status: criteria provided, conflicting classifications (1 of 4 stars). 6 submissions from 6 submitters: Uncertain significance (4); Likely benign (2). Last evaluated 2026-01-28.

Conditions:
Retinoblastoma (RB1). Also called: RETINOBLASTOMA, SOMATIC. Identifiers: Orphanet 790, MedGen C0035335, MeSH D012175, MONDO:0008380, OMIM 180200, HP:0009919. Disease mechanism: loss of function. Inheritance: Both sporadic and heritable forms are tested..
Hereditary cancer-predisposing syndrome. Also called: Neoplastic Syndromes, Hereditary; Hereditary Cancer Syndrome; Tumor predisposition; Hereditary neoplastic syndrome. Identifiers: Orphanet 140162, MedGen C0027672, MeSH D009386, MONDO:0015356.
Bone osteosarcoma. Also called: Osteosarcoma, somatic. Identifiers: Orphanet 668, MedGen C0585442, MONDO:0002629, OMIM 259500.
Small cell lung carcinoma. Also called: Small cell lung cancer; SMALL CELL CANCER OF THE LUNG, SOMATIC; Lung oat cell carcinoma. Identifiers: Orphanet 70573, MedGen C0149925, MeSH D055752, MONDO:0008433, OMIM 182280, HP:0030357.
Malignant tumor of urinary bladder. Also called: Bladder cancer; Urinary bladder cancer; Urinary Bladder Neoplasms. Identifiers: MedGen C0005684, MONDO:0001187, OMIM 109800.

Allele frequency attached by ClinVar (database versions not stated): gnomAD exomes 0.00001; TOPMed 0.00001; gnomAD 0.00002; ExAC 0.00003.
gnomAD v4.1: 14 of 1,568,768 alleles (0.00089%); highest among the groups gnomAD compares: Admixed American, 0.0018%; no homozygotes.

Submissions (6):

Labcorp Genetics (formerly Invitae), Labcorp
Classification: Likely benign for Retinoblastoma. Last evaluated: 2026-01-28. Review status: criteria provided, single submitter. Criteria: Invitae Variant Classification Sherloc (09022015). Collection method: clinical testing. Allele origin: germline.

Ambry Genetics
Classification: Uncertain significance for Hereditary cancer-predisposing syndrome. Last evaluated: 2025-08-02. Review status: criteria provided, single submitter. Criteria: Ambry Variant Classification Scheme 2023. Collection method: clinical testing. Allele origin: germline.
Comment: The p.F299L variant (also known as c.897T>A), located in coding exon 9 of the RB1 gene, results from a T to A substitution at nucleotide position 897. The phenylalanine at codon 299 is replaced by leucine, an amino acid with highly similar properties. This amino acid position is highly conserved in available vertebrate species. In addition, the in silico prediction for this alteration is inconclusive. Since supporting evidence is limited at this time, the clinical significance of this alteration remains unclear.

Color Diagnostics, LLC DBA Color Health
Classification: Likely benign for Retinoblastoma. Last evaluated: 2025-07-14. Review status: criteria provided, single submitter. Criteria: ACMG Guidelines, 2015. Collection method: clinical testing. Allele origin: germline.

Blueprint Genetics
Classification: Uncertain significance. Last evaluated: 2024-09-03. Review status: criteria provided, single submitter. Criteria: ACMG Guidelines, 2015. Collection method: clinical testing. Allele origin: germline.

All of Us Research Program, National Institutes of Health
Classification: Uncertain significance for Retinoblastoma. Last evaluated: 2024-04-10. Review status: criteria provided, single submitter. Criteria: ACMG Guidelines, 2015. Collection method: clinical testing. Allele origin: germline. Inheritance: Autosomal dominant inheritance. Observed: 7 variant alleles, 7 heterozygotes.
Comment: This missense variant replaces phenylalanine with leucine at codon 299 of the RB1 protein. Computational prediction suggests that this variant may have deleterious impact on protein structure and function (internally defined REVEL score threshold >= 0.7, PMID: 27666373). To our knowledge, functional studies have not been reported for this variant. This variant has not been reported in individuals affected with hereditary cancer in the literature. This variant has been identified in 2/193242 chromosomes in the general population by the Genome Aggregation Database (gnomAD). The available evidence is insufficient to determine the role of this variant in disease conclusively. Therefore, this variant is classified as a Variant of Uncertain Significance.

This study involves interpretation of variants in research participants for the purpose of population health screening. Participant phenotype was not available at the time of variant classification. Additional details can be found in publication PMID: 35346344, PMCID: PMC8962531

Fulgent Genetics
Classification: Uncertain significance for Malignant tumor of urinary bladder; Retinoblastoma; Small cell lung carcinoma; Bone osteosarcoma. Last evaluated: 2024-04-05. Review status: criteria provided, single submitter. Criteria: ACMG Guidelines, 2015. Collection method: clinical testing. Allele origin: germline.

NM_000321.3(RB1):c.897T>A (p.Phe299Leu)

Gene: RB1 (RB transcriptional corepressor 1; plus strand). Cytogenetic location: 13q14.2.
Variant type: single nucleotide variant.
Coding change: c.897T>A on transcript NM_000321.3 (MANE Select); coding-DNA position 897, T replaced by A.
Protein change: p.Phe299Leu; replaces phenylalanine 299 with leucine.
Molecular consequence: missense variant.
Genome position (GRCh38, 1-based): chr13:48,364,929, T>A. VCF-style: chr13-48364929-T-A. GRCh37 (hg19) VCF-style: chr13-48939065-T-A.
Other names: short protein forms F299L.
Identifiers: ClinVar variation 656058 (VCV000656058.15), dbSNP rs772362181, ClinGen allele CA039787.
Genomic context (GRCh38, chr13:48,364,929, plus strand): 5'-CATGTTGTAACTTCATCTTTTTCAGGTGAAAAATGTTTATTTCAAAAATTTTATACCTTT[T>A]ATGAATTCTCTTGGACTTGTAACATCTAATGGACTTCCAGAGGTAATCTGAAAGGAAATT-3'
Protein context (NP_000312.2, residues 289-309): KNVYFKNFIP[Phe299Leu]MNSLGLVTSN